The following is an entry in ClinVar:

NM_000338.3(SLC12A1):c.760C>G (p.Pro254Ala)

Gene: SLC12A1 (solute carrier family 12 member 1; plus strand). Cytogenetic location: 15q21.1.
Variant type: single nucleotide variant.
Coding change: c.760C>G on transcript NM_000338.3 (MANE Select); coding-DNA position 760, C replaced by G.
Protein change: p.Pro254Ala; replaces proline 254 with alanine.
Molecular consequence: missense variant.
Genome position (GRCh38, 1-based): chr15:48,229,224, C>G. VCF-style: chr15-48229224-C-G. GRCh37 (hg19) VCF-style: chr15-48521421-C-G.
Other names: c.760C>G, p.Pro254Ala (NM_001184832.2); short protein forms P254A.
Identifiers: ClinVar variation 888525 (VCV000888525.6), dbSNP rs367562995, ClinGen allele CA7546896.

ClinVar aggregate classification (germline): Uncertain significance. Review status: criteria provided, multiple submitters, no conflicts (2 of 4 stars). 3 submissions from 3 submitters: Uncertain significance (3). Last evaluated 2022-07-19.

Conditions:
Bartter disease type 1. Also called: HYPERPROSTAGLANDIN E SYNDROME 1; HYPOKALEMIC ALKALOSIS WITH HYPERCALCIURIA 1, ANTENATAL; Bartter syndrome, type 1, antenatal; Bartter Syndrome type 1. Identifiers: Orphanet 112, Orphanet 620217, MedGen C1866495, MONDO:0100344, OMIM 601678, MONDO:0011127.

Allele frequency attached by ClinVar (database versions not stated): TOPMed 0.00007; ESP Exome Variant Server 0.00008.
gnomAD v4.1: 150 of 1,591,150 alleles (0.0094%); highest among the groups gnomAD compares: Non-Finnish European, 0.011%; no homozygotes.

Submissions (3):

Labcorp Genetics (formerly Invitae), Labcorp
Classification: Uncertain significance. Last evaluated: 2022-07-19. Review status: criteria provided, single submitter. Criteria: Invitae Variant Classification Sherloc (09022015). Collection method: clinical testing. Allele origin: germline.
Comment: This sequence change replaces proline, which is neutral and non-polar, with alanine, which is neutral and non-polar, at codon 254 of the SLC12A1 protein (p.Pro254Ala). This variant is present in population databases (rs367562995, gnomAD 0.02%). This variant has not been reported in the literature in individuals affected with SLC12A1-related conditions. This variant is also known as P250A. ClinVar contains an entry for this variant (Variation ID: 888525). Algorithms developed to predict the effect of missense changes on protein structure and function (SIFT, PolyPhen-2, Align-GVGD) all suggest that this variant is likely to be disruptive. Experimental studies have shown that this missense change does not substantially affect SLC12A1 function (PMID: 21157372, 21209010). In summary, the available evidence is currently insufficient to determine the role of this variant in disease. Therefore, it has been classified as a Variant of Uncertain Significance.

Fulgent Genetics
Classification: Uncertain significance for Bartter disease type 1. Last evaluated: 2022-02-17. Review status: criteria provided, single submitter. Criteria: ACMG Guidelines, 2015. Collection method: clinical testing. Allele origin: unknown.

Illumina Laboratory Services, Illumina
Classification: Uncertain significance for Bartter disease type 1. Last evaluated: 2017-09-06. Review status: criteria provided, single submitter. Criteria: ICSL Variant Classification Criteria 13 December 2019. Collection method: clinical testing. Allele origin: germline.
Comment: This variant was observed as part of a predisposition screen in an ostensibly healthy population. A literature search was performed for the gene, cDNA change, and amino acid change (where applicable). Publications were found based on this search. However, the evidence from the literature, in combination with allele frequency data from public databases where available, was not sufficient to rule this variant in or out of causing disease. Therefore, this variant is classified as a variant of unknown significance.

Literature cited by the submitters: PubMed 21157372 (cited by Labcorp Genetics (formerly Invitae), Labcorp and Illumina Laboratory Services, Illumina); PubMed 21209010 (cited by Labcorp Genetics (formerly Invitae), Labcorp and Illumina Laboratory Services, Illumina); PubMed 18391953 (cited by Illumina Laboratory Services, Illumina); PubMed 24253496 (cited by Illumina Laboratory Services, Illumina).